The following is an entry in ClinVar:

ClinVar aggregate classification (germline): Likely benign. Review status: criteria provided, multiple submitters, no conflicts (2 of 4 stars). 3 submissions from 3 submitters: Likely benign (2). 1 of the submissions does not count toward it. Last evaluated 2021-09-21.

Conditions:
WDR81-related disorder. Also called: WDR81-related condition.
Hydrocephalus, congenital, 3, with brain anomalies. Also called: HYDROCEPHALUS, NONSYNDROMIC, AUTOSOMAL RECESSIVE 3. Identifiers: MedGen C4747885, MONDO:0054794, OMIM 617967.
Cerebellar ataxia, impaired intellectual development, and dysequilibrium syndrome 2. Also called: CEREBELLAR ATAXIA, MENTAL RETARDATION, AND DYSEQUILIBRIUM SYNDROME 2; CEREBELLAR ATAXIA AND MENTAL RETARDATION WITH OR WITHOUT QUADRUPEDAL LOCOMOTION 2; Cerebellar ataxia, intellectual disability, and dysequilibrium syndrome 2. Identifiers: Orphanet 1766, MedGen C2750234, MONDO:0012430, OMIM 610185.

Allele frequency attached by ClinVar (database versions not stated): gnomAD exomes 0.00001; gnomAD 0.00003 and 0.00002; ExAC 0.00002; TOPMed 0.00004.
gnomAD v4.1: 56 of 1,613,154 alleles (0.0035%); highest among the groups gnomAD compares: Non-Finnish European, 0.0044%; no homozygotes.

Submissions (3):

Fulgent Genetics
Classification: Likely benign for Cerebellar ataxia, impaired intellectual development, and dysequilibrium syndrome 2; Hydrocephalus, congenital, 3, with brain anomalies. Last evaluated: 2021-09-21. Review status: criteria provided, single submitter. Criteria: ACMG Guidelines, 2015. Collection method: clinical testing. Allele origin: unknown.

Labcorp Genetics (formerly Invitae), Labcorp
Classification: Likely benign. Last evaluated: 2018-05-13. Review status: criteria provided, single submitter. Criteria: Invitae Variant Classification Sherloc (09022015). Collection method: clinical testing. Allele origin: germline.

PreventionGenetics, part of Exact Sciences
Classification: Likely benign for WDR81-related condition. Last evaluated: 2024-09-09. Review status: no assertion criteria provided. Collection method: clinical testing. Allele origin: germline. Not counted in ClinVar's aggregate classification.
Comment: This variant is classified as likely benign based on ACMG/AMP sequence variant interpretation guidelines (Richards et al. 2015 PMID: 25741868, with internal and published modifications).

NM_001163809.2(WDR81):c.5607C>T (p.Ser1869=)

Gene: WDR81 (WD repeat domain 81; plus strand). Cytogenetic location: 17p13.3.
Variant type: single nucleotide variant.
Coding change: c.5607C>T on transcript NM_001163809.2 (MANE Select); coding-DNA position 5607, C replaced by T.
Protein change: p.Ser1869=; no amino-acid change (serine 1869 retained).
Molecular consequence: synonymous variant.
Genome position (GRCh38, 1-based): chr17:1,737,466, C>T. VCF-style: chr17-1737466-C-T. GRCh37 (hg19) VCF-style: chr17-1640760-C-T.
Other names: c.1998C>T, p.Ser666= (NM_001163673.2); c.1926C>T, p.Ser642= (NM_001163811.2); c.2454C>T, p.Ser818= (NM_152348.4).
Identifiers: ClinVar variation 745776 (VCV000745776.5), dbSNP rs760895795, ClinGen allele CA8273932.